The following is an entry in ClinVar:

ClinVar aggregate classification (germline): Uncertain significance (1 of 4 stars; one submission).

Submission:

ISCA site 14
Classification: Uncertain significance. Last evaluated: 2011-08-12. Review status: criteria provided, single submitter. Criteria: Kaminsky et al. (Genet Med. 2011). Collection method: clinical testing. Allele origin: maternal. Affected: yes. Observed: 1 variant allele.
Comment: Copy number variation identified through the course of routine clinical cytogenomic testing in postnatal populations. Clinical assertions have been curated as described in Kaminsky et al. 2011.

GRCh38/hg38 3p26.1(chr3:7501915-7755807)x3

Genes: GRM7 (glutamate metabotropic receptor 7; plus strand), GRM7-AS1 (GRM7 antisense RNA 1; minus strand). Cytogenetic location: 3p26.1.
Variant type: copy number gain.
Change: copy number 3 (three copies instead of two) of chr3:7,501,915-7,755,807 (253.9 kb, GRCh38 coordinates, 1-based), cytogenetic band 3p26.1.
Identifiers: ClinVar variation 57695 (VCV000057695.1).